The following is an entry in ClinVar:

ClinVar aggregate classification (germline): Uncertain significance. Review status: criteria provided, multiple submitters, no conflicts (2 of 4 stars). 2 submissions from 2 submitters: Uncertain significance (2). Last evaluated 2022-11-17.

Allele frequency attached by ClinVar (database versions not stated): TOPMed 0.00001.
gnomAD v4.1: 2 of 1,613,726 alleles (0.00012%); highest among the groups gnomAD compares: Admixed American, 0.0017%; no homozygotes.

Submissions (2):

Labcorp Genetics (formerly Invitae), Labcorp
Classification: Uncertain significance. Last evaluated: 2022-11-17. Review status: criteria provided, single submitter. Criteria: Invitae Variant Classification Sherloc (09022015). Collection method: clinical testing. Allele origin: germline.
Comment: In summary, the available evidence is currently insufficient to determine the role of this variant in disease. Therefore, it has been classified as a Variant of Uncertain Significance. Algorithms developed to predict the effect of missense changes on protein structure and function (SIFT, PolyPhen-2, Align-GVGD) all suggest that this variant is likely to be tolerated. This variant has not been reported in the literature in individuals affected with RP1-related conditions. This variant is present in population databases (no rsID available, gnomAD 0.003%). This sequence change replaces alanine, which is neutral and non-polar, with aspartic acid, which is acidic and polar, at codon 669 of the RP1 protein (p.Ala669Asp).

Blueprint Genetics
Classification: Uncertain significance. Last evaluated: 2021-07-20. Review status: criteria provided, single submitter. Criteria: ACMG Guidelines, 2015. Collection method: clinical testing. Allele origin: germline.

NM_006269.2(RP1):c.2006C>A (p.Ala669Asp)

Gene: RP1 (RP1 axonemal microtubule associated; plus strand). Cytogenetic location: 8q12.1.
Variant type: single nucleotide variant.
Coding change: c.2006C>A on transcript NM_006269.2 (MANE Select); coding-DNA position 2006, C replaced by A.
Protein change: p.Ala669Asp; replaces alanine 669 with aspartic acid.
Molecular consequence: missense variant. On other transcripts: intron variant (1).
Genome position (GRCh38, 1-based): chr8:54,625,888, C>A. VCF-style: chr8-54625888-C-A. GRCh37 (hg19) VCF-style: chr8-55538448-C-A.
Other names: c.787+3600C>A (NM_001375654.1); short protein forms A669D.
Identifiers: ClinVar variation 2878480 (VCV002878480.4), dbSNP rs1334715730, ClinGen allele CA370992523.
Genomic context (GRCh38, chr8:54,625,888, plus strand): 5'-TTGCTCAGTGTGGTTTAACAAAACTTCCAAAAAATGAAAAGAAGATTTTGTCATCTGTTG[C>A]CAGCAAAAAGAAGAAAAAATCTCGACAGCAAGCAATAAATTCCAGGTATCAAGATGGACA-3'
Protein context (NP_006260.1, residues 659-679): KNEKKILSSV[Ala669Asp]SKKKKKSRQQ